The following is an entry in ClinVar:

NC_000014.9:g.(?_36516072)_(36520130_?)del

Genes: NKX2-1-AS1 (NKX2-1 antisense RNA 1; plus strand), SFTA3 (surfactant associated 3; minus strand), NKX2-1 (NK2 homeobox 1; minus strand). Cytogenetic location: 14q13.3.
Variant type: Deletion.
Identifiers: ClinVar variation 635557 (VCV000635557.1).

ClinVar aggregate classification (germline): Pathogenic (1 of 4 stars; one submission).

Conditions:
Brain-lung-thyroid syndrome. Also called: CHOREOATHETOSIS AND CONGENITAL HYPOTHYROIDISM WITH PULMONARY DYSFUNCTION; Choreoathetosis, Congenital Hypothyroidism, and Neonatal Respiratory Distress Syndrome (Brain-Lung-Thyroid Syndrome); Choreoathetosis, congenital hypothyroidism, and neonatal respiratory distress. Identifiers: Orphanet 209905, MedGen C1970269, MONDO:0012593, OMIM 610978.
Benign hereditary chorea (BHC). Also called: HEREDITARY PROGRESSIVE CHOREA WITHOUT DEMENTIA; Benign Hereditary Chorea (BHC). Identifiers: Orphanet 1429, MedGen C0393584, MONDO:0021011, OMIM 118700.

Submission:

Johns Hopkins Genomics, Johns Hopkins University
Classification: Pathogenic for Brain-lung-thyroid syndrome; Benign hereditary chorea. Last evaluated: 2019-03-07. Review status: criteria provided, single submitter. Criteria: ACMG Guidelines, 2015. Collection method: clinical testing. Allele origin: germline.
Comment: Evidence of an NKX2-1 gene deletion involving all coding exons was identified. We are not able to determine the specific breakpoints of the deletion, and it may include neighboring genes. Whole NKX2-1 gene deletions have been previously reported as causes of choreoathetosis, congenital hypothyroidism, neonatal respiratory distress syndrome. Therefore, this variant is considered pathogenic.

Literature cited by the submitters: PubMed 23430038; PubMed 24714694.